The following is an entry in ClinVar:

ClinVar aggregate classification (germline): Pathogenic (1 of 4 stars; one submission).

Conditions:
Neurodevelopmental disorder with hypotonia, stereotypic hand movements, and impaired language. Also called: Intellectual disability, autosomal dominant 20. Identifiers: Orphanet 228384, Orphanet 664410, MedGen C3150700, MONDO:0013266, OMIM 613443.

Submission:

Labcorp Genetics (formerly Invitae), Labcorp
Classification: Pathogenic for Neurodevelopmental disorder with hypotonia, stereotypic hand movements, and impaired language. Last evaluated: 2025-07-21. Review status: criteria provided, single submitter. Criteria: Invitae Variant Classification Sherloc (09022015). Collection method: clinical testing. Allele origin: germline.
Comment: This sequence change creates a premature translational stop signal (p.His76Metfs*13) in the MEF2C gene. It is expected to result in an absent or disrupted protein product. Loss-of-function variants in MEF2C are known to be pathogenic (PMID: 20513142). This variant is not present in population databases (gnomAD no frequency). This variant has not been reported in the literature in individuals affected with MEF2C-related conditions. For these reasons, this variant has been classified as Pathogenic.

Literature cited by the submitters: PubMed 20513142.

NM_002397.5(MEF2C):c.225del (p.His76fs)

Gene: MEF2C (myocyte enhancer factor 2C; minus strand). Cytogenetic location: 5q14.3.
Variant type: Deletion.
Coding change: c.225del on transcript NM_002397.5 (MANE Select); coding-DNA position 225, one base deleted (G; older notation c.225delG).
Protein change: p.His76fs; shifts the reading frame from histidine 76.
Molecular consequence: frameshift variant.
Genome position (GRCh38, 1-based): chr5:88,804,631, C deleted on the plus strand (G on the coding strand, the reverse complement: MEF2C is on the minus strand). VCF-style (leftmost placement, unchanged base first): chr5-88804630-GC-G. GRCh37 (hg19) VCF-style: chr5-88100447-GC-G.
Other names: c.225del, p.His76fs (NM_001131005.2, NM_001193347.1, NM_001193348.1 and 29 more transcripts); short protein forms H76fs.
Identifiers: ClinVar variation 4723600 (VCV004723600.1).